The following is an entry in ClinVar:

ClinVar aggregate classification (germline): Conflicting classifications of pathogenicity. Review status: criteria provided, conflicting classifications (1 of 4 stars). 4 submissions from 4 submitters: Uncertain significance (3); Likely benign (1). Last evaluated 2025-08-30.

Conditions:
DK1-congenital disorder of glycosylation. Also called: DK1-CDG; CONGENITAL DISORDER OF GLYCOSYLATION, TYPE Im; CDG Im; DK1 DEFICIENCY; DOLICHOL KINASE DEFICIENCY; DOLK-congenital disorder of glycosylation. Identifiers: Orphanet 91131, MedGen C1835849, MONDO:0012556, OMIM 610768.
Cardiovascular phenotype. Identifiers: MedGen CN230736.

Allele frequency attached by ClinVar (database versions not stated): TOPMed below 0.00001; gnomAD exomes 0.00001 and 0.00004; ExAC 0.00004.
gnomAD v4.1: 21 of 1,614,038 alleles (0.0013%); highest among the groups gnomAD compares: East Asian, 0.0045%; no homozygotes.

Submissions (4):

Ambry Genetics
Classification: Uncertain significance for Cardiovascular phenotype. Last evaluated: 2025-08-30. Review status: criteria provided, single submitter. Criteria: Ambry Variant Classification Scheme 2023. Collection method: clinical testing. Allele origin: germline.
Comment: The p.R280H variant (also known as c.839G>A), located in coding exon 1 of the DOLK gene, results from a G to A substitution at nucleotide position 839. The arginine at codon 280 is replaced by histidine, an amino acid with highly similar properties. This amino acid position is conserved. In addition, this alteration is predicted to be tolerated by in silico analysis. Based on the available evidence, the clinical significance of this variant remains unclear.

Blueprint Genetics
Classification: Likely benign. Last evaluated: 2024-11-14. Review status: criteria provided, single submitter. Criteria: ACMG Guidelines, 2015. Collection method: clinical testing. Allele origin: germline.

GeneDx
Classification: Uncertain significance. Last evaluated: 2024-01-30. Review status: criteria provided, single submitter. Criteria: GeneDx Variant Classification Process June 2021. Collection method: clinical testing. Allele origin: germline. Affected: yes.
Comment: Has not been previously published as pathogenic or benign to our knowledge; In silico analysis supports that this missense variant does not alter protein structure/function

Labcorp Genetics (formerly Invitae), Labcorp
Classification: Uncertain significance for DK1-congenital disorder of glycosylation. Last evaluated: 2021-08-27. Review status: criteria provided, single submitter. Criteria: Invitae Variant Classification Sherloc (09022015). Collection method: clinical testing. Allele origin: germline.
Comment: This sequence change replaces arginine with histidine at codon 280 of the DOLK protein (p.Arg280His). The arginine residue is moderately conserved and there is a small physicochemical difference between arginine and histidine. This variant is present in population databases (rs779503646, ExAC 0.02%). This variant has not been reported in the literature in individuals affected with DOLK-related conditions. Algorithms developed to predict the effect of missense changes on protein structure and function output the following: SIFT: "Tolerated"; PolyPhen-2: "Benign"; Align-GVGD: "Class C0". The histidine amino acid residue is found in multiple mammalian species, which suggests that this missense change does not adversely affect protein function. In summary, the available evidence is currently insufficient to determine the role of this variant in disease. Therefore, it has been classified as a Variant of Uncertain Significance.

NM_014908.4(DOLK):c.839G>A (p.Arg280His)

Gene: DOLK (dolichol kinase; minus strand). Cytogenetic location: 9q34.11.
Variant type: single nucleotide variant.
Coding change: c.839G>A on transcript NM_014908.4 (MANE Select); coding-DNA position 839, G replaced by A.
Protein change: p.Arg280His; replaces arginine 280 with histidine.
Molecular consequence: missense variant.
Genome position (GRCh38, 1-based): chr9:128,946,465, C>T on the plus strand (G>A on the coding strand, the complement: DOLK is on the minus strand). VCF-style: chr9-128946465-C-T. GRCh37 (hg19) VCF-style: chr9-131708744-C-T.
Other names: short protein forms R280H.
Identifiers: ClinVar variation 959385 (VCV000959385.10), dbSNP rs779503646, ClinGen allele CA5271681.
Genomic context (GRCh38, chr9:128,946,465, plus strand): 5'-AGGTAGATGCGGGTGTCTGTCTGGAAGAGAAACTGAAGAAGCCAGAGCAGGGGATTCCTG[C>T]GGATGAGCCGGTGCAGCCAGGGTAGGACCACACCAAGGCTCAGCACACAGGTCATGAGGT-3'
Protein context (NP_055723.1, residues 270-290): VVLPWLHRLI[Arg280His]RNPLLWLLQF